The following is an entry in ClinVar:

NM_024747.6(HPS6):c.113C>T (p.Pro38Leu)

Genes: HPS6 (HPS6 biogenesis of lysosomal organelles complex 2 subunit 3; plus strand), LOC130004578 (ATAC-STARR-seq lymphoblastoid silent region 2738; plus strand). Cytogenetic location: 10q24.32.
Variant type: single nucleotide variant.
Coding change: c.113C>T on transcript NM_024747.6 (MANE Select); coding-DNA position 113, C replaced by T.
Protein change: p.Pro38Leu; replaces proline 38 with leucine.
Molecular consequence: missense variant.
Genome position (GRCh38, 1-based): chr10:102,065,587, C>T. VCF-style: chr10-102065587-C-T. GRCh37 (hg19) VCF-style: chr10-103825344-C-T.
Other names: short protein forms P38L.
Identifiers: ClinVar variation 4621724 (VCV004621724.2).

ClinVar aggregate classification (germline): Uncertain significance. Review status: criteria provided, multiple submitters, no conflicts (2 of 4 stars). 2 submissions from 2 submitters: Uncertain significance (2). Last evaluated 2025-11-03.

Conditions:
Inborn genetic diseases. Identifiers: MedGen C0950123, MeSH D030342.

gnomAD v4.1: 4 of 1,542,296 alleles (0.00026%); highest among the groups gnomAD compares: Admixed American, 0.0019%; no homozygotes.

Submissions (2):

Ambry Genetics
Classification: Uncertain significance for Inborn genetic diseases. Last evaluated: 2025-11-03. Review status: criteria provided, single submitter. Criteria: Ambry Variant Classification Scheme 2023. Collection method: clinical testing. Allele origin: germline.

Labcorp Genetics (formerly Invitae), Labcorp
Classification: Uncertain significance. Last evaluated: 2025-09-10. Review status: criteria provided, single submitter. Criteria: Invitae Variant Classification Sherloc (09022015). Collection method: clinical testing. Allele origin: germline.
Comment: This sequence change replaces proline, which is neutral and non-polar, with leucine, which is neutral and non-polar, at codon 38 of the HPS6 protein (p.Pro38Leu). This variant is not present in population databases (gnomAD no frequency). This variant has not been reported in the literature in individuals affected with HPS6-related conditions. Invitae Evidence Modeling of protein sequence and biophysical properties (such as structural, functional, and spatial information, amino acid conservation, physicochemical variation, residue mobility, and thermodynamic stability) indicates that this missense variant is not expected to disrupt HPS6 protein function with a negative predictive value of 80%. In summary, the available evidence is currently insufficient to determine the role of this variant in disease. Therefore, it has been classified as a Variant of Uncertain Significance.